The following is an entry in ClinVar:

NM_017831.4(RNF125):c.687G>A (p.Ser229=)

Gene: RNF125 (ring finger protein 125; plus strand). Cytogenetic location: 18q12.1.
Variant type: single nucleotide variant.
Coding change: c.687G>A on transcript NM_017831.4 (MANE Select); coding-DNA position 687, G replaced by A.
Protein change: p.Ser229=; no amino-acid change (serine 229 retained).
Molecular consequence: synonymous variant.
Genome position (GRCh38, 1-based): chr18:32,068,372, G>A. VCF-style: chr18-32068372-G-A. GRCh37 (hg19) VCF-style: chr18-29648335-G-A.
Identifiers: ClinVar variation 3032622 (VCV003032622.3), dbSNP rs374540528, ClinGen allele CA8930575.

ClinVar aggregate classification (germline): Likely benign. Review status: criteria provided, single submitter (1 of 4 stars). 2 submissions from 2 submitters: Likely benign (1). 1 of the submissions does not count toward it. Last evaluated 2025-05-08.

Conditions:
RNF125-related disorder. Also called: RNF125-related condition.

Allele frequency attached by ClinVar (database versions not stated): ExAC 0.00007; TOPMed 0.00002; gnomAD 0.00001; ESP Exome Variant Server 0.00008.
gnomAD v4.1: 39 of 1,579,188 alleles (0.0025%); highest among the groups gnomAD compares: East Asian, 0.029%; no homozygotes.

Submissions (2):

Women's Health and Genetics/Laboratory Corporation of America, LabCorp
Classification: Likely benign. Last evaluated: 2025-05-08. Review status: criteria provided, single submitter. Criteria: LabCorp Variant Classification Summary - May 2015. Collection method: clinical testing. Allele origin: germline.

PreventionGenetics, part of Exact Sciences
Classification: Likely benign for RNF125-related condition. Last evaluated: 2021-12-12. Review status: no assertion criteria provided. Collection method: clinical testing. Allele origin: germline. Not counted in ClinVar's aggregate classification.
Comment: This variant is classified as likely benign based on ACMG/AMP sequence variant interpretation guidelines (Richards et al. 2015 PMID: 25741868, with internal and published modifications).